The following is an entry in ClinVar:

NM_000152.5(GAA):c.2132C>T (p.Thr711Ile)

Gene: GAA (alpha glucosidase; plus strand). Cytogenetic location: 17q25.3.
Variant type: single nucleotide variant.
Coding change: c.2132C>T on transcript NM_000152.5 (MANE Select); coding-DNA position 2132, C replaced by T.
Protein change: p.Thr711Ile; replaces threonine 711 with isoleucine.
Molecular consequence: missense variant.
Genome position (GRCh38, 1-based): chr17:80,113,309, C>T. VCF-style: chr17-80113309-C-T. GRCh37 (hg19) VCF-style: chr17-78087108-C-T.
Other names: c.2132C>T, p.Thr711Ile (NM_001079803.3, NM_001079804.3, NM_001406741.1 and 1 more transcripts); short protein forms T711I.
Identifiers: ClinVar variation 3385206 (VCV003385206.1).
Genomic context (GRCh38, chr17:80,113,309, plus strand): 5'-CCCAGCAGGCCATGAGGAAGGCCCTCACCCTGCGCTACGCACTCCTCCCCCACCTCTACA[C>T]ACTGTTCCACCAGGCCCACGTCGCGGGGGAGACCGTGGCCCGGCCCCTCTTCCTGGAGTG-3'
Protein context (NP_000143.2, residues 701-721): LRYALLPHLY[Thr711Ile]LFHQAHVAGE

ClinVar aggregate classification (germline): Uncertain significance (1 of 4 stars; one submission).

Submission:

Women's Health and Genetics/Laboratory Corporation of America, LabCorp
Classification: Uncertain significance. Last evaluated: 2024-10-18. Review status: criteria provided, single submitter. Criteria: LabCorp Variant Classification Summary - May 2015. Collection method: clinical testing. Allele origin: germline.
Comment: Variant summary: GAA c.2132C>T (p.Thr711Ile) results in a non-conservative amino acid change located in the Glycoside hydrolase family 31, TIM barrel domain (IPR000322) of the encoded protein sequence. Five of five in-silico tools predict a damaging effect of the variant on protein function. The variant allele was found at a frequency of 4.5e-06 in 222134 control chromosomes. The available data on variant occurrences in the general population are insufficient to allow any conclusion about variant significance. To our knowledge, no occurrence of c.2132C>T in individuals affected with Glycogen Storage Disease, Type 2 (Pompe Disease) and no experimental evidence demonstrating its impact on protein function have been reported. No submitters have cited clinical-significance assessments for this variant to ClinVar. Based on the evidence outlined above, the variant was classified as uncertain significance.